The following is an entry in ClinVar:

NM_031935.3(HMCN1):c.13348G>A (p.Val4450Ile)

Gene: HMCN1 (hemicentin 1; plus strand). Cytogenetic location: 1q31.1.
Variant type: single nucleotide variant.
Coding change: c.13348G>A on transcript NM_031935.3 (MANE Select); coding-DNA position 13348, G replaced by A.
Protein change: p.Val4450Ile; replaces valine 4450 with isoleucine.
Molecular consequence: missense variant.
Genome position (GRCh38, 1-based): chr1:186,136,703, G>A. VCF-style: chr1-186136703-G-A. GRCh37 (hg19) VCF-style: chr1-186105835-G-A.
Other names: short protein forms V4450I.
Identifiers: ClinVar variation 1493257 (VCV001493257.6), dbSNP rs1649627673, ClinGen allele CA343910611.

ClinVar aggregate classification (germline): Uncertain significance (1 of 4 stars; one submission).

Allele frequency attached by ClinVar (database versions not stated): gnomAD exomes below 0.00001; gnomAD 0.00001.
gnomAD v4.1: 4 of 1,613,822 alleles (0.00025%); highest among the groups gnomAD compares: Non-Finnish European, 0.00034%; no homozygotes.

Submission:

Labcorp Genetics (formerly Invitae), Labcorp
Classification: Uncertain significance. Last evaluated: 2022-09-06. Review status: criteria provided, single submitter. Criteria: Invitae Variant Classification Sherloc (09022015). Collection method: clinical testing. Allele origin: germline.
Comment: In summary, the available evidence is currently insufficient to determine the role of this variant in disease. Therefore, it has been classified as a Variant of Uncertain Significance. Algorithms developed to predict the effect of missense changes on protein structure and function output the following: SIFT: "Tolerated"; PolyPhen-2: "Benign"; Align-GVGD: "Class C0". The isoleucine amino acid residue is found in multiple mammalian species, which suggests that this missense change does not adversely affect protein function. ClinVar contains an entry for this variant (Variation ID: 1493257). This variant has not been reported in the literature in individuals affected with HMCN1-related conditions. This variant is not present in population databases (gnomAD no frequency). This sequence change replaces valine, which is neutral and non-polar, with isoleucine, which is neutral and non-polar, at codon 4450 of the HMCN1 protein (p.Val4450Ile).